The following is an entry in ClinVar:

NM_152564.5(VPS13B):c.7616T>G (p.Met2539Arg)

Gene: VPS13B (vacuolar protein sorting 13 homolog B; plus strand). Cytogenetic location: 8q22.2.
Variant type: single nucleotide variant.
Coding change: c.7616T>G on transcript NM_152564.5 (MANE Select); coding-DNA position 7616, T replaced by G.
Protein change: p.Met2539Arg; replaces methionine 2539 with arginine.
Molecular consequence: missense variant.
Genome position (GRCh38, 1-based): chr8:99,778,868, T>G. VCF-style: chr8-99778868-T-G. GRCh37 (hg19) VCF-style: chr8-100791096-T-G.
Other names: c.7691T>G, p.Met2564Arg (NM_017890.5); short protein forms M2564R, M2539R.
Identifiers: ClinVar variation 1381318 (VCV001381318.6), dbSNP rs1290655527, ClinGen allele CA371876351.

ClinVar aggregate classification (germline): Uncertain significance (1 of 4 stars; one submission).

Conditions:
Cohen syndrome (COH1). Also called: Cutis verticis gyrata, retinitis pigmentosa, and sensorineural deafness; PEPPER SYNDROME. Identifiers: Orphanet 193, MedGen C0265223, MONDO:0008999, OMIM 216550.

Submission:

Labcorp Genetics (formerly Invitae), Labcorp
Classification: Uncertain significance for Cohen syndrome. Last evaluated: 2021-09-15. Review status: criteria provided, single submitter. Criteria: Invitae Variant Classification Sherloc (09022015). Collection method: clinical testing. Allele origin: germline.
Comment: In summary, the available evidence is currently insufficient to determine the role of this variant in disease. Therefore, it has been classified as a Variant of Uncertain Significance. Algorithms developed to predict the effect of missense changes on protein structure and function are either unavailable or do not agree on the potential impact of this missense change (SIFT: "Not Available"; PolyPhen-2: "Benign"; Align-GVGD: "Not Available"). This variant has not been reported in the literature in individuals affected with VPS13B-related conditions. This variant is not present in population databases (ExAC no frequency). This sequence change replaces methionine with arginine at codon 2564 of the VPS13B protein (p.Met2564Arg). The methionine residue is moderately conserved and there is a moderate physicochemical difference between methionine and arginine.